The following is an entry in ClinVar:

ClinVar aggregate classification (germline): Pathogenic (1 of 4 stars; one submission).

Submission:

CeGaT Center for Human Genetics Tuebingen
Classification: Pathogenic. Last evaluated: 2025-12-01. Review status: criteria provided, single submitter. Criteria: CeGaT Center For Human Genetics Tuebingen Variant Classification Criteria Version 2. Collection method: clinical testing. Allele origin: germline. Affected: yes. Observed: 1 variant allele.
Comment: PIEZO2: PVS1, PM2, PP4

NM_001378183.1(PIEZO2):c.4988dup (p.Arg1664fs)

Gene: PIEZO2 (piezo type mechanosensitive ion channel component 2; minus strand). Cytogenetic location: 18p11.22.
Variant type: Duplication.
Coding change: c.4988dup on transcript NM_001378183.1 (MANE Select); coding-DNA position 4988, one base duplicated (C; older notation c.4988dupC).
Protein change: p.Arg1664fs; shifts the reading frame from arginine 1664.
Molecular consequence: frameshift variant.
Genome position (GRCh38, 1-based): chr18:10,731,448, G duplicated on the plus strand (C on the coding strand, the reverse complement: PIEZO2 is on the minus strand). VCF-style (leftmost placement, unchanged base first): chr18-10731447-T-TG. GRCh37 (hg19) VCF-style: chr18-10731445-T-TG.
Other names: c.4889dup, p.Arg1631fs (NM_001410871.1); c.4814dup, p.Arg1606fs (NM_022068.4); short protein forms R1606fs, R1631fs, R1664fs.
Identifiers: ClinVar variation 4681882 (VCV004681882.5).
Genomic context (GRCh38, chr18:10,731,447, plus strand): 5'-CCACCCCACCCACCACTCACCCTCCTTGGATCCTTTCCGCCTTCGTTTCCGTTCTTCTCT[T>TG]GCAGACCTTTTTTTCTCTTTGTGTCTTTGTCGGAGTGCTGTTTTAGGATCAGTAATCCAG-3'